The following is an entry in ClinVar:

NM_177550.5(SLC13A5):c.390C>A (p.Gly130=)

Gene: SLC13A5 (solute carrier family 13 member 5; minus strand). Cytogenetic location: 17p13.1.
Variant type: single nucleotide variant.
Coding change: c.390C>A on transcript NM_177550.5 (MANE Select); coding-DNA position 390, C replaced by A.
Protein change: p.Gly130=; no amino-acid change (glycine 130 retained).
Molecular consequence: synonymous variant. On other transcripts: intron variant (1).
Genome position (GRCh38, 1-based): chr17:6,704,035, G>T on the plus strand (C>A on the coding strand, the complement: SLC13A5 is on the minus strand). VCF-style: chr17-6704035-G-T. GRCh37 (hg19) VCF-style: chr17-6607354-G-T.
Other names: c.390C>A, p.Gly130= (NM_001143838.3); c.261C>A, p.Gly87= (NM_001284510.2); c.369-30C>A (NM_001284509.2).
Identifiers: ClinVar variation 391166 (VCV000391166.1), dbSNP rs371499002, ClinGen allele CA8331724.

ClinVar aggregate classification (germline): Likely benign (1 of 4 stars; one submission).

Submission:

GeneDx
Classification: Likely benign. Last evaluated: 2016-11-21. Review status: criteria provided, single submitter. Criteria: GeneDx Variant Classification (06012015). Collection method: clinical testing. Allele origin: germline. Affected: yes.
Comment: This variant is considered likely benign or benign based on one or more of the following criteria: it is a conservative change, it occurs at a poorly conserved position in the protein, it is predicted to be benign by multiple in silico algorithms, and/or has population frequency not consistent with disease.